The following is an entry in ClinVar:

ClinVar aggregate classification (germline): Uncertain significance. Review status: criteria provided, multiple submitters, no conflicts (2 of 4 stars). 4 submissions from 4 submitters: Uncertain significance (3). 1 of the submissions does not count toward it. Last evaluated 2023-03-02.

Conditions:
Inborn genetic diseases. Identifiers: MedGen C0950123, MeSH D030342.
Usher syndrome type 1 (USH1). Also called: RETINITIS PIGMENTOSA AND CONGENITAL DEAFNESS. Identifiers: Orphanet 231169, Orphanet 886, MedGen C1568247, MONDO:0010168, OMIM 276900.

Allele frequency attached by ClinVar (database versions not stated): TOPMed 0.00007.
gnomAD v4.1: 6 of 1,613,088 alleles (0.00037%); highest among the groups gnomAD compares: African/African-American, 0.008%; no homozygotes.

Submissions (4):

Blueprint Genetics
Classification: Uncertain significance. Last evaluated: 2023-03-02. Review status: criteria provided, single submitter. Criteria: ACMG Guidelines, 2015. Collection method: clinical testing. Allele origin: germline.

Labcorp Genetics (formerly Invitae), Labcorp
Classification: Uncertain significance. Last evaluated: 2022-02-11. Review status: criteria provided, single submitter. Criteria: Invitae Variant Classification Sherloc (09022015). Collection method: clinical testing. Allele origin: germline.
Comment: This sequence change replaces alanine, which is neutral and non-polar, with glutamic acid, which is acidic and polar, at codon 1464 of the CDH23 protein (p.Ala1464Glu). This variant is present in population databases (no rsID available, gnomAD 0.01%). This variant has not been reported in the literature in individuals affected with CDH23-related conditions. ClinVar contains an entry for this variant (Variation ID: 999963). Algorithms developed to predict the effect of missense changes on protein structure and function are either unavailable or do not agree on the potential impact of this missense change (SIFT: "Deleterious"; PolyPhen-2: "Not Available"; Align-GVGD: "Class C0"). In summary, the available evidence is currently insufficient to determine the role of this variant in disease. Therefore, it has been classified as a Variant of Uncertain Significance.

Ambry Genetics
Classification: Uncertain significance for Inborn genetic diseases. Last evaluated: 2021-10-06. Review status: criteria provided, single submitter. Criteria: Ambry Variant Classification Scheme 2023. Collection method: clinical testing. Allele origin: germline.

Natera, Inc.
Classification: Uncertain significance for Usher syndrome type 1. Last evaluated: 2020-07-26. Review status: no assertion criteria provided. Collection method: clinical testing. Allele origin: germline. Not counted in ClinVar's aggregate classification.

NM_022124.6(CDH23):c.4391C>A (p.Ala1464Glu)

Gene: CDH23 (cadherin related 23; plus strand). Cytogenetic location: 10q22.1.
Variant type: single nucleotide variant.
Coding change: c.4391C>A on transcript NM_022124.6 (MANE Select); coding-DNA position 4391, C replaced by A.
Protein change: p.Ala1464Glu; replaces alanine 1464 with glutamic acid.
Molecular consequence: missense variant.
Genome position (GRCh38, 1-based): chr10:71,739,675, C>A. VCF-style: chr10-71739675-C-A. GRCh37 (hg19) VCF-style: chr10-73499432-C-A.
Other names: c.4391C>A (NM_022124.5); short protein forms A1464E.
Identifiers: ClinVar variation 999963 (VCV000999963.8), dbSNP rs374362883, ClinGen allele CA209485406.